The following is an entry in ClinVar:

ClinVar aggregate classification (germline): Pathogenic (1 of 4 stars; one submission).

Conditions:
Arginase deficiency. Also called: ARGININEMIA; ARG1 DEFICIENCY; Arginase 1 Deficiency. Identifiers: Orphanet 90, MedGen C0268548, MONDO:0008814, OMIM 207800.

Submission:

Labcorp Genetics (formerly Invitae), Labcorp
Classification: Pathogenic for Arginase deficiency. Last evaluated: 2024-05-06. Review status: criteria provided, single submitter. Criteria: Invitae Variant Classification Sherloc (09022015). Collection method: clinical testing. Allele origin: germline.
Comment: This sequence change affects the initiator methionine of the ARG1 mRNA. The next in-frame methionine is located at codon 200. This variant is not present in population databases (gnomAD no frequency). Disruption of the initiator codon has been observed in individual(s) with arginase deficiency and/or spastic paraplegia (PMID: 29726057, 34782662, 36180229). This variant disrupts the p.Ile11 amino acid residue in ARG1. Other variant(s) that disrupt this residue have been determined to be pathogenic (PMID: 7649538, 21310339, 22959135, 26310552). This suggests that this residue is clinically significant, and that variants that disrupt this residue are likely to be disease-causing. For these reasons, this variant has been classified as Pathogenic.

Literature cited by the submitters: PubMed 29726057; PubMed 34782662; PubMed 36180229; PubMed 7649538; PubMed 21310339; PubMed 22959135; PubMed 26310552.

NM_000045.4(ARG1):c.3G>T (p.Met1Ile)

Gene: ARG1 (arginase 1; plus strand). Cytogenetic location: 6q23.2.
Variant type: single nucleotide variant.
Coding change: c.3G>T on transcript NM_000045.4 (MANE Select); coding-DNA position 3, G replaced by T.
Protein change: p.Met1Ile; changes the start codon (methionine 1).
Molecular consequence: missense variant, initiator codon variant. On other transcripts: non-coding transcript variant (1).
Genome position (GRCh38, 1-based): chr6:131,573,285, G>T. VCF-style: chr6-131573285-G-T. GRCh37 (hg19) VCF-style: chr6-131894425-G-T.
Other names: c.3G>T, p.Met1Ile (NM_001244438.2, NM_001369020.1); short protein forms M1I.
Identifiers: ClinVar variation 3643339 (VCV003643339.2).